The following is an entry in ClinVar:

ClinVar aggregate classification (germline): Uncertain significance (1 of 4 stars; one submission).

Allele frequency attached by ClinVar (database versions not stated): ExAC 0.00001.
gnomAD v4.1: 2 of 1,613,894 alleles (0.00012%); highest among the groups gnomAD compares: Admixed American, 0.0017%; no homozygotes.

Submission:

Labcorp Genetics (formerly Invitae), Labcorp
Classification: Uncertain significance. Last evaluated: 2022-09-13. Review status: criteria provided, single submitter. Criteria: Invitae Variant Classification Sherloc (09022015). Collection method: clinical testing. Allele origin: germline.
Comment: This sequence change replaces threonine, which is neutral and polar, with isoleucine, which is neutral and non-polar, at codon 4449 of the HMCN1 protein (p.Thr4449Ile). This variant is present in population databases (rs758752400, gnomAD no frequency). This variant has not been reported in the literature in individuals affected with HMCN1-related conditions. ClinVar contains an entry for this variant (Variation ID: 1413349). Algorithms developed to predict the effect of missense changes on protein structure and function (SIFT, PolyPhen-2, Align-GVGD) all suggest that this variant is likely to be disruptive. In summary, the available evidence is currently insufficient to determine the role of this variant in disease. Therefore, it has been classified as a Variant of Uncertain Significance.

NM_031935.3(HMCN1):c.13346C>T (p.Thr4449Ile)

Gene: HMCN1 (hemicentin 1; plus strand). Cytogenetic location: 1q31.1.
Variant type: single nucleotide variant.
Coding change: c.13346C>T on transcript NM_031935.3 (MANE Select); coding-DNA position 13346, C replaced by T.
Protein change: p.Thr4449Ile; replaces threonine 4449 with isoleucine.
Molecular consequence: missense variant.
Genome position (GRCh38, 1-based): chr1:186,136,701, C>T. VCF-style: chr1-186136701-C-T. GRCh37 (hg19) VCF-style: chr1-186105833-C-T.
Other names: short protein forms T4449I.
Identifiers: ClinVar variation 1413349 (VCV001413349.6), dbSNP rs758752400, ClinGen allele CA1294644.